The following is an entry in ClinVar:

NM_198253.3(TERT):c.885C>T (p.Ser295=)

Gene: TERT (telomerase reverse transcriptase; minus strand). Cytogenetic location: 5p15.33.
Variant type: single nucleotide variant.
Coding change: c.885C>T on transcript NM_198253.3 (MANE Select); coding-DNA position 885, C replaced by T.
Protein change: p.Ser295=; no amino-acid change (serine 295 retained).
Molecular consequence: synonymous variant. On other transcripts: non-coding transcript variant (2).
Genome position (GRCh38, 1-based): chr5:1,294,001, G>A on the plus strand (C>T on the coding strand, the complement: TERT is on the minus strand). VCF-style: chr5-1294001-G-A. GRCh37 (hg19) VCF-style: chr5-1294116-G-A.
Other names: c.885C>T, p.Ser295= (NM_001193376.3).
Identifiers: ClinVar variation 242246 (VCV000242246.35), dbSNP rs367957748, ClinGen allele CA3184896.
Genomic context (GRCh38, chr5:1,294,001, plus strand): 5'-ACGTGGTGGCCGCGATGTGGATGGGGGGCCCGCGTGGTGCTGGCGGCCCACGGATGGGTG[G>A]GAGTGGCGCGTGCCAGAGAGCGCACCCTCCAAAGAGGTGGCTTCTTCGGCGGGTCTGGCA-3'
Protein context (NP_937983.2, residues 285-305): LEGALSGTRH[Ser295=]HPSVGRQHHA

ClinVar aggregate classification (germline): Likely benign. Review status: criteria provided, multiple submitters, no conflicts (2 of 4 stars). 4 submissions from 4 submitters: Likely benign (4). Last evaluated 2026-01-09.

Conditions:
Idiopathic Pulmonary Fibrosis. Also called: Idiopathic fibrosing alveolitis, chronic form; idiopathic fibrosing alveolitis. Identifiers: Orphanet 2032, MedGen C1800706, MeSH D054990, MONDO:0800504.
Dyskeratosis congenita, autosomal dominant 2. Identifiers: MedGen C3151443, MONDO:0013521, OMIM 613989.
Dyskeratosis congenita. Identifiers: Orphanet 1775, MedGen C0265965, MONDO:0015780.

Allele frequency attached by ClinVar (database versions not stated): gnomAD exomes 0.00003 and 0.00008; gnomAD 0.00011 and 0.00014; ExAC 0.00012; TOPMed 0.00015; ESP Exome Variant Server 0.00016.
gnomAD v4.1: 65 of 1,578,942 alleles (0.0041%); highest among the groups gnomAD compares: Middle Eastern, 0.05%; no homozygotes.

Submissions (4):

Labcorp Genetics (formerly Invitae), Labcorp
Classification: Likely benign for Dyskeratosis congenita, autosomal dominant 2; Idiopathic Pulmonary Fibrosis. Last evaluated: 2026-01-09. Review status: criteria provided, single submitter. Criteria: Invitae Variant Classification Sherloc (09022015). Collection method: clinical testing. Allele origin: germline.

CeGaT Center for Human Genetics Tuebingen
Classification: Likely benign. Last evaluated: 2024-04-01. Review status: criteria provided, single submitter. Criteria: CeGaT Center For Human Genetics Tuebingen Variant Classification Criteria Version 2. Collection method: clinical testing. Allele origin: germline. Affected: yes. Observed: 1 variant allele.
Comment: TERT: BP4, BP7

Blueprint Genetics
Classification: Likely benign. Last evaluated: 2023-07-04. Review status: criteria provided, single submitter. Criteria: ACMG Guidelines, 2015. Collection method: clinical testing. Allele origin: germline.

Ambry Genetics
Classification: Likely benign for Dyskeratosis congenita. Last evaluated: 2022-03-31. Review status: criteria provided, single submitter. Criteria: Ambry Variant Classification Scheme 2023. Collection method: clinical testing. Allele origin: germline.